The following is an entry in ClinVar:

ClinVar aggregate classification (germline): Likely pathogenic (1 of 4 stars; one submission).

Conditions:
Neurofibromatosis, type 1 (NF1). Also called: VON RECKLINGHAUSEN DISEASE; Neurofibromatosis, type I; NEUROFIBROMATOSIS, TYPE I, SOMATIC; Peripheral type neurofibromatosis. Identifiers: Orphanet 636, MedGen C0027831, MONDO:0018975, OMIM 162200. Disease mechanism: loss of function.

Submission:

Labcorp Genetics (formerly Invitae), Labcorp
Classification: Likely pathogenic for Neurofibromatosis, type 1. Last evaluated: 2023-10-18. Review status: criteria provided, single submitter. Criteria: Invitae Variant Classification Sherloc (09022015). Collection method: clinical testing. Allele origin: germline.
Comment: This sequence change replaces threonine, which is neutral and polar, with proline, which is neutral and non-polar, at codon 1199 of the NF1 protein (p.Thr1199Pro). This variant is not present in population databases (gnomAD no frequency). This variant has not been reported in the literature in individuals affected with NF1-related conditions. Advanced modeling of protein sequence and biophysical properties (such as structural, functional, and spatial information, amino acid conservation, physicochemical variation, residue mobility, and thermodynamic stability) performed at Invitae indicates that this missense variant is expected to disrupt NF1 protein function. This variant disrupts the p.Thr1199 amino acid residue in NF1. Other variant(s) that disrupt this residue have been determined to be pathogenic (PMID: 21520333). This suggests that this residue is clinically significant, and that variants that disrupt this residue are likely to be disease-causing. In summary, the currently available evidence indicates that the variant is pathogenic, but additional data are needed to prove that conclusively. Therefore, this variant has been classified as Likely Pathogenic.

Literature cited by the submitters: PubMed 21520333.

NM_001042492.3(NF1):c.3595A>C (p.Thr1199Pro)

Gene: NF1 (neurofibromin 1; plus strand). Cytogenetic location: 17q11.2.
Variant type: single nucleotide variant.
Coding change: c.3595A>C on transcript NM_001042492.3 (MANE Select); coding-DNA position 3595, A replaced by C.
Protein change: p.Thr1199Pro; replaces threonine 1199 with proline.
Molecular consequence: missense variant.
Genome position (GRCh38, 1-based): chr17:31,233,100, A>C. VCF-style: chr17-31233100-A-C. GRCh37 (hg19) VCF-style: chr17-29560118-A-C.
Other names: c.3595A>C, p.Thr1199Pro (NM_000267.4); short protein forms T1199P.
Identifiers: ClinVar variation 2769781 (VCV002769781.3), dbSNP rs1453504440, ClinGen allele CA398990234.